The following is an entry in ClinVar:

NM_001134363.3(RBM20):c.659G>A (p.Gly220Glu)

Gene: RBM20 (RNA binding motif protein 20; plus strand). Cytogenetic location: 10q25.2.
Variant type: single nucleotide variant.
Coding change: c.659G>A on transcript NM_001134363.3 (MANE Select); coding-DNA position 659, G replaced by A.
Protein change: p.Gly220Glu; replaces glycine 220 with glutamic acid.
Molecular consequence: missense variant.
Genome position (GRCh38, 1-based): chr10:110,781,268, G>A. VCF-style: chr10-110781268-G-A. GRCh37 (hg19) VCF-style: chr10-112541026-G-A.
Other names: short protein forms G220E.
Identifiers: ClinVar variation 1402207 (VCV001402207.6), dbSNP rs2135042457, ClinGen allele CA378381959.

ClinVar aggregate classification (germline): Uncertain significance (1 of 4 stars; one submission).

Conditions:
Dilated cardiomyopathy 1DD (CMD1DD). Identifiers: Orphanet 154, MedGen C2750995, MONDO:0013168, OMIM 613172.

Submission:

Labcorp Genetics (formerly Invitae), Labcorp
Classification: Uncertain significance for Dilated cardiomyopathy 1DD. Last evaluated: 2021-10-06. Review status: criteria provided, single submitter. Criteria: Invitae Variant Classification Sherloc (09022015). Collection method: clinical testing. Allele origin: germline.
Comment: This sequence change replaces glycine with glutamic acid at codon 220 of the RBM20 protein (p.Gly220Glu). The glycine residue is weakly conserved and there is a moderate physicochemical difference between glycine and glutamic acid. In summary, the available evidence is currently insufficient to determine the role of this variant in disease. Therefore, it has been classified as a Variant of Uncertain Significance. Advanced modeling of protein sequence and biophysical properties (such as structural, functional, and spatial information, amino acid conservation, physicochemical variation, residue mobility, and thermodynamic stability) performed at Invitae indicates that this missense variant is not expected to disrupt RBM20 protein function. This variant has not been reported in the literature in individuals affected with RBM20-related conditions. This variant is not present in population databases (ExAC no frequency).